The following is an entry in ClinVar:

ClinVar aggregate classification (germline): Uncertain significance (1 of 4 stars; one submission).

Conditions:
Muscular dystrophy-dystroglycanopathy (congenital with brain and eye anomalies), type A2. Also called: MUSCULAR DYSTROPHY-DYSTROGLYCANOPATHY (CONGENITAL WITH BRAIN AND EYE ANOMALIES), TYPE A, 2; WALKER-WARBURG SYNDROME OR MUSCLE-EYE-BRAIN DISEASE, POMT2-RELATED. Identifiers: Orphanet 588, Orphanet 899, MedGen C3150411, MONDO:0013154, OMIM 613150.
Muscular dystrophy-dystroglycanopathy (congenital with impaired intellectual development), type B, 2. Also called: MUSCULAR DYSTROPHY, CONGENITAL, POMT2-RELATED; Muscular dystrophy-dystroglycanopathy (congenital with intellectual disability), type B2. Identifiers: MedGen C3150416, MONDO:0013160, OMIM 613156.
Autosomal recessive limb-girdle muscular dystrophy type 2N. Also called: Muscular dystrophy-dystroglycanopathy (limb-girdle), type C, 2; MUSCULAR DYSTROPHY-DYSTROGLYCANOPATHY, LIMB-GIRDLE, POMT2-RELATED. Identifiers: Orphanet 206559, MedGen C3150418, MONDO:0013162, OMIM 613158.

gnomAD v4.1: 5 of 1,593,808 alleles (0.00031%); highest among the groups gnomAD compares: Non-Finnish European, 0.00042%; no homozygotes.

Submission:

Labcorp Genetics (formerly Invitae), Labcorp
Classification: Uncertain significance for Muscular dystrophy-dystroglycanopathy (congenital with impaired intellectual development), type B, 2; Muscular dystrophy-dystroglycanopathy (congenital with brain and eye anomalies), type A2; Autosomal recessive limb-girdle muscular dystrophy type 2N. Last evaluated: 2020-09-24. Review status: criteria provided, single submitter. Criteria: Invitae Variant Classification Sherloc (09022015). Collection method: clinical testing. Allele origin: germline.
Comment: In summary, the available evidence is currently insufficient to determine the role of this variant in disease. Therefore, it has been classified as a Variant of Uncertain Significance. Algorithms developed to predict the effect of missense changes on protein structure and function are either unavailable or do not agree on the potential impact of this missense change (SIFT: "Deleterious"; PolyPhen-2: "Benign"; Align-GVGD: "Class C0"). This variant has not been reported in the literature in individuals with POMT2-related conditions. This variant is not present in population databases (ExAC no frequency). This sequence change replaces serine with phenylalanine at codon 12 of the POMT2 protein (p.Ser12Phe). The serine residue is weakly conserved and there is a large physicochemical difference between serine and phenylalanine.

NM_013382.7(POMT2):c.35C>T (p.Ser12Phe)

Gene: POMT2 (protein O-mannosyltransferase 2; minus strand). Cytogenetic location: 14q24.3.
Variant type: single nucleotide variant.
Coding change: c.35C>T on transcript NM_013382.7 (MANE Select); coding-DNA position 35, C replaced by T.
Protein change: p.Ser12Phe; replaces serine 12 with phenylalanine.
Molecular consequence: missense variant.
Genome position (GRCh38, 1-based): chr14:77,320,647, G>A on the plus strand (C>T on the coding strand, the complement: POMT2 is on the minus strand). VCF-style: chr14-77320647-G-A. GRCh37 (hg19) VCF-style: chr14-77786990-G-A.
Other names: short protein forms S12F.
Identifiers: ClinVar variation 1046083 (VCV001046083.9), dbSNP rs1891855792, ClinGen allele CA390504951.